The following is an entry in ClinVar:

NM_003000.3(SDHB):c.10G>T (p.Val4Leu)

Gene: SDHB (succinate dehydrogenase complex iron sulfur subunit B; minus strand). Cytogenetic location: 1p36.13.
Variant type: single nucleotide variant.
Coding change: c.10G>T on transcript NM_003000.3 (MANE Select); coding-DNA position 10, G replaced by T.
Protein change: p.Val4Leu; replaces valine 4 with leucine.
Molecular consequence: missense variant.
Genome position (GRCh38, 1-based): chr1:17,054,010, C>A on the plus strand (G>T on the coding strand, the complement: SDHB is on the minus strand). VCF-style: chr1-17054010-C-A. GRCh37 (hg19) VCF-style: chr1-17380505-C-A.
Other names: c.10G>T, p.Val4Leu (NM_001407361.1); short protein forms V4L.
Identifiers: ClinVar variation 3763272 (VCV003763272.3).
Genomic context (GRCh38, chr1:17,054,010, plus strand): 5'-GCAGGCAGGCTCCGCCAAGGGTTGTGGCCGGCAACCGGCGCCTCAAGGAGAGGGCGACCA[C>A]CGCCGCCATCTTGGCTCCTGACGTCAGCCCCACCCCTTAACCCCGAGGTCGCTCTCCGCC-3'
Protein context (NP_002991.2, residues 1-14): MAA[Val4Leu]VALSLRRRLP

ClinVar aggregate classification (germline): Uncertain significance. Review status: criteria provided, multiple submitters, no conflicts (2 of 4 stars). 2 submissions from 2 submitters: Uncertain significance (2). Last evaluated 2026-07-07.

Conditions:
Hereditary cancer-predisposing syndrome. Also called: Tumor predisposition; Hereditary neoplastic syndrome; Hereditary Cancer Syndrome; Neoplastic Syndromes, Hereditary. Identifiers: Orphanet 140162, MedGen C0027672, MeSH D009386, MONDO:0015356.
Pheochromocytoma/paraganglioma syndrome 4. Also called: SDHB-Related Hereditary Paraganglioma-Pheochromocytoma Syndrome (Paragangliomas 4); SDHB-Related Hereditary Paraganglioma-Pheochromocytoma Syndrome; CAROTID BODY TUMORS AND MULTIPLE EXTRAADRENAL PHEOCHROMOCYTOMAS; PARAGANGLIOMA, FAMILIAL MALIGNANT; PARAGANGLIOMAS, HEREDITARY EXTRAADRENAL; PHEOCHROMOCYTOMA, FAMILIAL EXTRAADRENAL. Identifiers: Orphanet 29072, MedGen C1861848, MONDO:0007273, OMIM 115310.
Pheochromocytoma. Also called: MAX-Related Hereditary Paraganglioma-Pheochromocytoma Syndrome. Identifiers: Orphanet 29072, MedGen C0031511, MONDO:0008233, OMIM 171300, HP:0002666.
Gastrointestinal stromal tumor. Also called: Gastrointestinal stromal tumor, somatic; Gastrointestinal stroma tumor. Identifiers: Orphanet 44890, MedGen C0238198, MeSH D046152, MONDO:0011719, OMIM 606764, HP:0100723.

gnomAD v4.1: 1 of 1,610,918 alleles (0.000062%); highest among the groups gnomAD compares: Non-Finnish European, 0.000085%; no homozygotes.

Submissions (2):

Ambry Genetics
Classification: Uncertain significance for Hereditary cancer-predisposing syndrome. Last evaluated: 2026-07-07. Review status: criteria provided, single submitter. Criteria: Ambry Variant Classification Scheme 2023. Collection method: clinical testing. Allele origin: germline.
Comment: The p.V4L variant (also known as c.10G>T), located in coding exon 1 of the SDHB gene, results from a G to T substitution at nucleotide position 10. The valine at codon 4 is replaced by leucine, an amino acid with highly similar properties. This amino acid position is conserved. In addition, the in silico prediction for this alteration is inconclusive. Based on the available evidence, the clinical significance of this variant remains unclear.

Labcorp Genetics (formerly Invitae), Labcorp
Classification: Uncertain significance for Gastrointestinal stromal tumor; Pheochromocytoma/paraganglioma syndrome 4; Pheochromocytoma. Last evaluated: 2024-04-09. Review status: criteria provided, single submitter. Criteria: Invitae Variant Classification Sherloc (09022015). Collection method: clinical testing. Allele origin: germline.
Comment: This sequence change replaces valine, which is neutral and non-polar, with leucine, which is neutral and non-polar, at codon 4 of the SDHB protein (p.Val4Leu). This variant is not present in population databases (gnomAD no frequency). This variant has not been reported in the literature in individuals affected with SDHB-related conditions. Advanced modeling of protein sequence and biophysical properties (such as structural, functional, and spatial information, amino acid conservation, physicochemical variation, residue mobility, and thermodynamic stability) performed at Invitae indicates that this missense variant is not expected to disrupt SDHB protein function with a negative predictive value of 95%. In summary, the available evidence is currently insufficient to determine the role of this variant in disease. Therefore, it has been classified as a Variant of Uncertain Significance.